The following is an entry in ClinVar:

NM_001164508.2(NEB):c.23435_23438dup (p.Asn7814fs)

Genes: NEB (nebulin; minus strand), RIF1 (replication timing regulatory factor 1; plus strand). Cytogenetic location: 2q23.3.
Variant type: Duplication.
Coding change: c.23435_23438dup on transcript NM_001164508.2 (MANE Select); coding-DNA positions 23435 to 23438, 4 bases duplicated (AAAA; older notation c.23435_23438dupAAAA).
Protein change: p.Asn7814fs; shifts the reading frame from asparagine 7814.
Molecular consequence: frameshift variant.
Genome position (GRCh38, 1-based): chr2:151,508,018-151,508,021, TTTT duplicated on the plus strand (AAAA on the coding strand, the reverse complement: NEB is on the minus strand). VCF-style (leftmost placement, unchanged base first): chr2-151508017-C-CTTTT. GRCh37 (hg19) VCF-style: chr2-152364531-C-CTTTT.
Other names: c.23435_23438dup, p.Asn7814fs (NM_001164507.2); c.23540_23543dup, p.Asn7849fs (NM_001271208.2); c.18332_18335dup, p.Asn6113fs (NM_004543.5); short protein forms N6113fs, N7814fs, N7849fs.
Identifiers: ClinVar variation 5013958 (VCV005013958.1).

ClinVar aggregate classification (germline): Pathogenic (1 of 4 stars; one submission).

Conditions:
Nemaline myopathy 2 (NEM2). Also called: Nemaline myopathy 2, autosomal recessive. Identifiers: MedGen C1850569, MONDO:0009725, OMIM 256030.

Submission:

Myriad Genetics, Inc.
Classification: Pathogenic for Nemaline myopathy 2. Last evaluated: 2025-01-13. Review status: criteria provided, single submitter. Criteria: Myriad Autosomal Dominant, Autosomal Recessive and X-Linked Classification Criteria (2023). Collection method: clinical testing. Allele origin: unknown.
Comment: NM_001271208.1(NEB):c.23540_23543dupAAAA(N7849Kfs*11) is expected to be pathogenic in the context of NEB-related nemaline myopathy. This variant is predicted to lead to an abnormal or absent protein product due to the creation of a premature termination codon in NEB, a gene where loss-of-function variants are known to be pathogenic. Please note: this variant was assessed in the context of healthy population screening.